The following is an entry in ClinVar:

ClinVar aggregate classification (germline): Pathogenic (1 of 4 stars; one submission).

Conditions:
Danon disease. Also called: ANTOPOL DISEASE; PSEUDOGLYCOGENOSIS II; GSD IIb; LYSOSOMAL GLYCOGEN STORAGE DISEASE WITHOUT ACID MALTASE DEFICIENCY; Glycogen Storage Disease Type IIb. Identifiers: Orphanet 34587, MedGen C0878677, MONDO:0010281, OMIM 300257.

Submission:

Labcorp Genetics (formerly Invitae), Labcorp
Classification: Pathogenic for Danon disease. Last evaluated: 2021-11-18. Review status: criteria provided, single submitter. Criteria: Invitae Variant Classification Sherloc (09022015). Collection method: clinical testing. Allele origin: germline.
Comment: For these reasons, this variant has been classified as Pathogenic. This variant has not been reported in the literature in individuals affected with LAMP2-related conditions. This variant is not present in population databases (gnomAD no frequency). This sequence change creates a premature translational stop signal (p.Asp131Ilefs*17) in the LAMP2 gene. It is expected to result in an absent or disrupted protein product. Loss-of-function variants in LAMP2 are known to be pathogenic (PMID: 21415759).

Literature cited by the submitters: PubMed 21415759.

NM_002294.3(LAMP2):c.391del (p.Asp131fs)

Gene: LAMP2 (lysosome associated membrane protein 2; minus strand). Cytogenetic location: Xq24.
Variant type: Deletion.
Coding change: c.391del on transcript NM_002294.3 (MANE Select); coding-DNA position 391, one base deleted (G; older notation c.391delG).
Protein change: p.Asp131fs; shifts the reading frame from aspartic acid 131.
Molecular consequence: frameshift variant.
Genome position (GRCh38, 1-based): chrX:120,455,363, C deleted on the plus strand (G on the coding strand, the reverse complement: LAMP2 is on the minus strand). VCF-style (leftmost placement, unchanged base first): chrX-120455362-TC-T. GRCh37 (hg19) VCF-style: chrX-119589217-TC-T.
Other names: c.391del, p.Asp131fs (NM_001122606.1, NM_013995.2); short protein forms D131fs.
Identifiers: ClinVar variation 1459080 (VCV001459080.6), dbSNP rs2147286730, ClinGen allele CA2573159189.